The following is an entry in ClinVar:

ClinVar aggregate classification (germline): Pathogenic. Review status: criteria provided, single submitter (1 of 4 stars). 3 submissions from 3 submitters: Pathogenic (1). 2 of the submissions do not count toward it. Last evaluated 2022-08-16.

Conditions:
Fanconi anemia (FA). Also called: Fanconi's anemia. Identifiers: Orphanet 84, MedGen C0015625, MeSH D005199, MONDO:0019391.
Fanconi anemia complementation group A (FANCA). Also called: FANCA-Related Fanconi Anemia; Fanconi anemia, group A. Identifiers: Orphanet 84, MedGen C3469521, MONDO:0009215, OMIM 227650.

Allele frequency attached by ClinVar (database versions not stated): ExAC 0.00001; gnomAD 0.00001; TOPMed 0.00001.
gnomAD v4.1: 6 of 1,611,040 alleles (0.00037%); highest among the groups gnomAD compares: South Asian, 0.0033%; no homozygotes.

Submissions (3):

Labcorp Genetics (formerly Invitae), Labcorp
Classification: Pathogenic for Fanconi anemia. Last evaluated: 2022-08-16. Review status: criteria provided, single submitter. Criteria: Invitae Variant Classification Sherloc (09022015). Collection method: clinical testing. Allele origin: germline.
Comment: This variant is present in population databases (rs749688050, gnomAD 0.003%). This sequence change falls in intron 8 of the FANCA gene. It does not directly change the encoded amino acid sequence of the FANCA protein. It affects a nucleotide within the consensus splice site. This variant has been observed in individual(s) with clinical features of Fanconi anemia (PMID: 25239263; Invitae). In at least one individual the data is consistent with being in trans (on the opposite chromosome) from a pathogenic variant. For these reasons, this variant has been classified as Pathogenic. Variants that disrupt the consensus splice site are a relatively common cause of aberrant splicing (PMID: 17576681, 9536098). Algorithms developed to predict the effect of sequence changes on RNA splicing suggest that this variant may disrupt the consensus splice site. ClinVar contains an entry for this variant (Variation ID: 554952).

Leiden Open Variation Database
Classification: Uncertain significance for Fanconi anemia complementation group A. Last evaluated: 2020-02-28. Review status: no assertion criteria provided. Collection method: curation. Allele origin: germline. Affected: yes. Not counted in ClinVar's aggregate classification.
Comment: Curator: Arleen D. Auerbach. Submitter to LOVD: Arleen D. Auerbach.

Counsyl
Classification: Uncertain significance for Fanconi anemia complementation group A. Last evaluated: 2017-11-09. Review status: no assertion criteria provided. Collection method: clinical testing. Allele origin: unknown. Not counted in ClinVar's aggregate classification.

Literature cited by the submitters: PubMed 25239263 (cited by Labcorp Genetics (formerly Invitae), Labcorp and Counsyl); PubMed 17576681 (cited by Labcorp Genetics (formerly Invitae), Labcorp); PubMed 9536098 (cited by Labcorp Genetics (formerly Invitae), Labcorp).

NM_000135.4(FANCA):c.793-3C>G

Gene: FANCA (FA complementation group A; minus strand). Cytogenetic location: 16q24.3.
Variant type: single nucleotide variant.
Coding change: c.793-3C>G on transcript NM_000135.4 (MANE Select); 3 bases into the intron before coding-DNA position 793, C replaced by G.
Molecular consequence: intron variant.
Genome position (GRCh38, 1-based): chr16:89,799,641, G>C on the plus strand (C>G on the coding strand, the complement: FANCA is on the minus strand). VCF-style: chr16-89799641-G-C. GRCh37 (hg19) VCF-style: chr16-89866049-G-C.
Other names: c.793-3C>G (LRG_495t1, NM_001286167.3, NM_001018112.3); c.697-3C>G (NM_001351830.2).
Identifiers: ClinVar variation 554952 (VCV000554952.13), dbSNP rs749688050, ClinGen allele CA8252773.